The following is an entry in ClinVar:

ClinVar aggregate classification (germline): Uncertain significance (1 of 4 stars; one submission).

Allele frequency attached by ClinVar (database versions not stated): gnomAD exomes below 0.00001; TOPMed below 0.00001; ExAC 0.00001; gnomAD 0.00001.
gnomAD v4.1: 2 of 1,614,086 alleles (0.00012%); highest among the groups gnomAD compares: African/African-American, 0.0013%; no homozygotes.

Submission:

Ambry Genetics
Classification: Uncertain significance. Last evaluated: 2024-08-07. Review status: criteria provided, single submitter. Criteria: Ambry Variant Classification Scheme 2023. Collection method: clinical testing. Allele origin: germline.
Comment: The p.Q165H variant (also known as c.495G>C), located in coding exon 1 of the PALLD gene, results from a G to C substitution at nucleotide position 495. The glutamine at codon 165 is replaced by histidine, an amino acid with highly similar properties. This amino acid position is conserved. In addition, this alteration is predicted to be tolerated by in silico analysis. Since supporting evidence is limited at this time, the clinical significance of this alteration remains unclear.

NM_001166108.2(PALLD):c.495G>C (p.Gln165His)

Gene: PALLD (palladin, cytoskeletal associated protein; plus strand). Cytogenetic location: 4q32.3.
Variant type: single nucleotide variant.
Coding change: c.495G>C on transcript NM_001166108.2 (MANE Select); coding-DNA position 495, G replaced by C.
Protein change: p.Gln165His; replaces glutamine 165 with histidine.
Molecular consequence: missense variant.
Genome position (GRCh38, 1-based): chr4:168,511,999, G>C. VCF-style: chr4-168511999-G-C. GRCh37 (hg19) VCF-style: chr4-169433150-G-C.
Other names: c.495G>C, p.Gln165His (NM_016081.4); short protein forms Q165H.
Identifiers: ClinVar variation 1744403 (VCV001744403.3), dbSNP rs759164741, ClinGen allele CA3135384.